The following is an entry in ClinVar:

NM_139057.4(ADAMTS17):c.2591G>A (p.Arg864Gln)

Gene: ADAMTS17 (ADAM metallopeptidase with thrombospondin type 1 motif 17; minus strand). Cytogenetic location: 15q26.3.
Variant type: single nucleotide variant.
Coding change: c.2591G>A on transcript NM_139057.4 (MANE Select); coding-DNA position 2591, G replaced by A.
Protein change: p.Arg864Gln; replaces arginine 864 with glutamine.
Molecular consequence: missense variant.
Genome position (GRCh38, 1-based): chr15:100,048,857, C>T on the plus strand (G>A on the coding strand, the complement: ADAMTS17 is on the minus strand). VCF-style: chr15-100048857-C-T. GRCh37 (hg19) VCF-style: chr15-100589062-C-T.
Other names: short protein forms R864Q.
Identifiers: ClinVar variation 3699034 (VCV003699034.2).

ClinVar aggregate classification (germline): Uncertain significance (1 of 4 stars; one submission).

gnomAD v4.1: 17 of 1,614,050 alleles (0.0011%); highest among the groups gnomAD compares: African/African-American, 0.008%; no homozygotes.

Submission:

Labcorp Genetics (formerly Invitae), Labcorp
Classification: Uncertain significance. Last evaluated: 2024-12-11. Review status: criteria provided, single submitter. Criteria: Invitae Variant Classification Sherloc (09022015). Collection method: clinical testing. Allele origin: germline.
Comment: This sequence change replaces arginine, which is basic and polar, with glutamine, which is neutral and polar, at codon 864 of the ADAMTS17 protein (p.Arg864Gln). This variant also falls at the last nucleotide of exon 18, which is part of the consensus splice site for this exon. This variant is present in population databases (rs768977289, gnomAD 0.01%). This variant has not been reported in the literature in individuals affected with ADAMTS17-related conditions. An algorithm developed to predict the effect of missense changes on protein structure and function (PolyPhen-2) suggests that this variant is likely to be disruptive. Variants that disrupt the consensus splice site are a relatively common cause of aberrant splicing (PMID: 17576681, 9536098). In summary, the available evidence is currently insufficient to determine the role of this variant in disease. Therefore, it has been classified as a Variant of Uncertain Significance.

Literature cited by the submitters: PubMed 17576681; PubMed 9536098.